The following is an entry in ClinVar:

NM_000726.5(CACNB4):c.*4570T>C

Gene: CACNB4 (calcium voltage-gated channel auxiliary subunit beta 4; minus strand). Cytogenetic location: 2q23.3.
Variant type: single nucleotide variant.
Coding change: c.*4570T>C on transcript NM_000726.5 (MANE Select); 4570 bases downstream of the stop codon, T replaced by C.
Molecular consequence: 3 prime UTR variant.
Genome position (GRCh38, 1-based): chr2:151,834,549, A>G on the plus strand (T>C on the coding strand, the complement: CACNB4 is on the minus strand). VCF-style: chr2-151834549-A-G. GRCh37 (hg19) VCF-style: chr2-152691063-A-G.
Other names: c.*4570T>C (NM_001005746.4, NM_001005747.4, NM_001145798.3 and 7 more transcripts).
Identifiers: ClinVar variation 331569 (VCV000331569.6), dbSNP rs549017506, ClinGen allele CA10612320.
Genomic context (GRCh38, chr2:151,834,549, plus strand): 5'-ATCATTACAAGTAAAAAGAGATAGCTGCTATCAGAGGATGTATTTTATTTAAGAAAGTCC[A>G]TTTTAATAAAAGAAGAAACTTTTAAAAGTAATTTTTGAATGCTGTAGTTCTGGGTGCCCA-3'

ClinVar aggregate classification (germline): Benign (1 of 4 stars; one submission).

Conditions:
Episodic ataxia type 5. Identifiers: Orphanet 211067, MedGen C1866039, MONDO:0013464, OMIM 613855.

Allele frequency attached by ClinVar (database versions not stated): TOPMed 0.00014; gnomAD 0.00018 and 0.00019; 1000 Genomes Project 0.00040; 1000 Genomes Project 30x 0.00047.
gnomAD v4.1: 27 of 152,144 alleles (0.018%); highest among the groups gnomAD compares: African/African-American, 0.065%; no homozygotes.

Submission:

Illumina Laboratory Services, Illumina
Classification: Benign for Episodic ataxia type 5. Last evaluated: 2018-01-13. Review status: criteria provided, single submitter. Criteria: ICSL Variant Classification Criteria 13 December 2019. Collection method: clinical testing. Allele origin: germline.
Comment: This variant was observed in the ICSL laboratory as part of a predisposition screen in an ostensibly healthy population. It had not been previously curated by ICSL or reported in the Human Gene Mutation Database (HGMD: prior to June 1st, 2018), and was therefore a candidate for classification through an automated scoring system. Utilizing variant allele frequency, disease prevalence and penetrance estimates, and inheritance mode, an automated score was calculated to assess if this variant is too frequent to cause the disease. Based on the score and internal cut-off values, a variant classified as benign is not then subjected to further curation. The score for this variant resulted in a classification of benign for this disease.